The following is an entry in ClinVar:

NM_024642.5(GALNT12):c.414A>G (p.Thr138=)

Gene: GALNT12 (polypeptide N-acetylgalactosaminyltransferase 12; plus strand). Cytogenetic location: 9q22.33.
Variant type: single nucleotide variant.
Coding change: c.414A>G on transcript NM_024642.5 (MANE Select); coding-DNA position 414, A replaced by G.
Protein change: p.Thr138=; no amino-acid change (threonine 138 retained).
Molecular consequence: synonymous variant.
Genome position (GRCh38, 1-based): chr9:98,823,298, A>G. VCF-style: chr9-98823298-A-G. GRCh37 (hg19) VCF-style: chr9-101585580-A-G.
Identifiers: ClinVar variation 824627 (VCV000824627.5), dbSNP rs1588444656, ClinGen allele CA466423539.

ClinVar aggregate classification (germline): Benign/Likely benign. Review status: criteria provided, multiple submitters, no conflicts (2 of 4 stars). 2 submissions from 2 submitters: Benign (1); Likely benign (1). Last evaluated 2026-04-23.

Conditions:
Colorectal cancer, susceptibility to, 1. Also called: COLORECTAL ADENOMA AND CANCER, SUSCEPTIBILITY TO; COLORECTAL CANCER, SUSCEPTIBILITY TO, ON CHROMOSOME 9. Identifiers: MedGen C1837315, MONDO:0012132, OMIM 608812.

Allele frequency attached by ClinVar (database versions not stated): TOPMed below 0.00001.

Submissions (2):

Myriad Genetics, Inc.
Classification: Benign for Colorectal cancer, susceptibility to, 1. Last evaluated: 2026-04-23. Review status: criteria provided, single submitter. Criteria: Myriad Autosomal Dominant, Autosomal Recessive and X-Linked Classification Criteria (2023). Collection method: clinical testing. Allele origin: unknown.
Comment: This variant is considered benign. This variant is a silent/synonymous amino acid change and it is not expected to impact splicing.

Ambry Genetics
Classification: Likely benign. Last evaluated: 2019-12-13. Review status: criteria provided, single submitter. Criteria: Ambry Variant Classification Scheme 2023. Collection method: clinical testing. Allele origin: germline.